The following is an entry in ClinVar:

NM_001085458.2(CTNND1):c.55C>G (p.Gln19Glu)

Genes: CTNND1 (catenin delta 1; plus strand), TMX2-CTNND1 (TMX2-CTNND1 readthrough (NMD candidate); plus strand). Cytogenetic location: 11q12.1.
Variant type: single nucleotide variant.
Coding change: c.55C>G on transcript NM_001085458.2 (MANE Select); coding-DNA position 55, C replaced by G.
Protein change: p.Gln19Glu; replaces glutamine 19 with glutamic acid.
Molecular consequence: missense variant. On other transcripts: non-coding transcript variant (1), 5 prime UTR variant (7), intron variant (8).
Genome position (GRCh38, 1-based): chr11:57,791,533, C>G. VCF-style: chr11-57791533-C-G. GRCh37 (hg19) VCF-style: chr11-57559005-C-G.
Other names: c.55C>G, p.Gln19Glu (NM_001085462.2, NM_001206885.2, NM_001085459.2 and 3 more transcripts); c.-108C>G (NM_001206883.2, NM_001206884.2, NM_001206886.2 and 4 more transcripts); c.-108-2477C>G (NM_001085467.2, NM_001206890.2, NM_001085463.2 and 4 more transcripts); c.-36-4044C>G (NM_001085469.2); c.55C>G (NM_001085458.1); short protein forms Q19E.
Identifiers: ClinVar variation 834019 (VCV000834019.2), dbSNP rs567875341, ClinGen allele CA6010129.
Genomic context (GRCh38, chr11:57,791,533, plus strand): 5'-ACCTTCATGGACGACTCAGAGGTGGAGTCGACCGCCAGCATCTTGGCCTCTGTGAAGGAA[C>G]AAGAGGCCCAGTTTGAGAAGCTGACCCGGGCGCTGGAGGAGGAACGGCGCCACGTCTCGG-3'
Protein context (NP_001078927.1, residues 9-29): TASILASVKE[Gln19Glu]EAQFEKLTRA

ClinVar aggregate classification (germline): Uncertain significance. Review status: criteria provided, single submitter (1 of 4 stars). 2 submissions from 2 submitters: Uncertain significance (1). 1 of the submissions does not count toward it. Last evaluated 2022-11-15.

Conditions:
Cleft lip with or without cleft palate. Identifiers: Orphanet 1991, MedGen C0810364, MONDO:0016034.

Allele frequency attached by ClinVar (database versions not stated): gnomAD 0.00003 and 0.00004; gnomAD exomes 0.00003 and 0.00005; TOPMed 0.00005; ExAC 0.00007.
gnomAD v4.1: 74 of 1,606,712 alleles (0.0046%); highest among the groups gnomAD compares: Non-Finnish European, 0.006%; no homozygotes.

Submissions (2):

GeneDx
Classification: Uncertain significance. Last evaluated: 2022-11-15. Review status: criteria provided, single submitter. Criteria: GeneDx Variant Classification Process June 2021. Collection method: clinical testing. Allele origin: germline. Affected: yes.
Comment: In silico analysis supports that this missense variant does not alter protein structure/function; Identified in three affected individuals from a family with cleft lip/palate, hearing loss, hypodontia, and enamel hypoplasia; all of these individuals also harbored a variant in the FGF8 gene which could also explain the phenotype (Cox et al., 2018); This variant is associated with the following publications: (PMID: 29805042)

University of Washington Center for Mendelian Genomics, University of Washington
Classification: Likely pathogenic for Cleft Lip with or without Cleft Palate. Review status: no assertion criteria provided. Collection method: research. Allele origin: inherited. Affected: yes. Not counted in ClinVar's aggregate classification.

Literature cited by the submitters: PubMed 29805042 (cited by University of Washington Center for Mendelian Genomics, University of Washington).